The following is an entry in ClinVar:

NM_182916.3(TRNT1):c.277T>A (p.Phe93Ile)

Gene: TRNT1 (tRNA nucleotidyl transferase 1; plus strand). Cytogenetic location: 3p26.2.
Variant type: single nucleotide variant.
Coding change: c.277T>A on transcript NM_182916.3 (MANE Select); coding-DNA position 277, T replaced by A.
Protein change: p.Phe93Ile; replaces phenylalanine 93 with isoleucine.
Molecular consequence: missense variant. On other transcripts: non-coding transcript variant (8).
Genome position (GRCh38, 1-based): chr3:3,137,388, T>A. VCF-style: chr3-3137388-T-A. GRCh37 (hg19) VCF-style: chr3-3179072-T-A.
Other names: c.277T>A, p.Phe93Ile (NM_001302946.2, NM_001367321.1, NM_001367322.1 and 1 more transcripts); short protein forms F93I.
Identifiers: ClinVar variation 1377412 (VCV001377412.6), dbSNP rs2126017533, ClinGen allele CA351443200.

ClinVar aggregate classification (germline): Uncertain significance (1 of 4 stars; one submission).

Conditions:
Congenital sideroblastic anemia-B-cell immunodeficiency-periodic fever-developmental delay syndrome. Also called: Sideroblastic anemia with B-cell immunodeficiency, periodic fevers, and developmental delay. Identifiers: Orphanet 369861, MedGen C4015172, MONDO:0014487, OMIM 616084.

Allele frequency attached by ClinVar (database versions not stated): gnomAD exomes below 0.00001.
gnomAD v4.1: 1 of 1,613,928 alleles (0.000062%); highest among the groups gnomAD compares: East Asian, 0.0022%; no homozygotes.

Submission:

Labcorp Genetics (formerly Invitae), Labcorp
Classification: Uncertain significance for Congenital sideroblastic anemia-B-cell immunodeficiency-periodic fever-developmental delay syndrome. Last evaluated: 2024-10-16. Review status: criteria provided, single submitter. Criteria: Invitae Variant Classification Sherloc (09022015). Collection method: clinical testing. Allele origin: germline.
Comment: This sequence change replaces phenylalanine, which is neutral and non-polar, with isoleucine, which is neutral and non-polar, at codon 93 of the TRNT1 protein (p.Phe93Ile). This variant is not present in population databases (gnomAD no frequency). This variant has not been reported in the literature in individuals affected with TRNT1-related conditions. ClinVar contains an entry for this variant (Variation ID: 1377412). Invitae Evidence Modeling of protein sequence and biophysical properties (such as structural, functional, and spatial information, amino acid conservation, physicochemical variation, residue mobility, and thermodynamic stability) indicates that this missense variant is expected to disrupt TRNT1 protein function with a positive predictive value of 80%. In summary, the available evidence is currently insufficient to determine the role of this variant in disease. Therefore, it has been classified as a Variant of Uncertain Significance.